The following is an entry in ClinVar:

NM_002273.4(KRT8):c.184G>T (p.Gly62Cys)

Gene: KRT8 (keratin 8; minus strand). Cytogenetic location: 12q13.13.
Variant type: single nucleotide variant.
Coding change: c.184G>T on transcript NM_002273.4 (MANE Select); coding-DNA position 184, G replaced by T.
Protein change: p.Gly62Cys; replaces glycine 62 with cysteine.
Molecular consequence: missense variant. On other transcripts: non-coding transcript variant (1).
Genome position (GRCh38, 1-based): chr12:52,904,798, C>A on the plus strand (G>T on the coding strand, the complement: KRT8 is on the minus strand). VCF-style: chr12-52904798-C-A. GRCh37 (hg19) VCF-style: chr12-53298582-C-A.
Other names: G61C; c.268G>T, p.Gly90Cys (NM_001256282.2); c.184G>T, p.Gly62Cys (NM_001256293.2); short protein forms G62C, G90C.
Identifiers: ClinVar variation 14630 (VCV000014630.31), dbSNP rs11554495, ClinGen allele CA124163.
Genomic context (GRCh38, chr12:52,904,798, plus strand): 5'-GGTCCACCTCCAGGACAAGGGGGCTCAGCAGGCTCTGGTTGACCGTAACTGCGGTGATGC[C>A]TCCCATGCCGCTGGCCCCACCATAGCCGCCGCCCAGGCCACCGCGAAAGTTGCTGCTGCC-3'
Protein context (NP_002264.1, residues 52-72): GGYGGASGMG[Gly62Cys]ITAVTVNQSL

ClinVar aggregate classification (germline): Benign/Likely benign. Review status: criteria provided, multiple submitters, no conflicts (2 of 4 stars). 7 submissions from 7 submitters: Benign (3); Likely benign (1). 3 of the submissions do not count toward it. Last evaluated 2024-02-09.

Conditions:
Cirrhosis, cryptogenic. Identifiers: MedGen C0267809.

Allele frequency attached by ClinVar (database versions not stated): 1000 Genomes Project 0.00100; 1000 Genomes Project 30x 0.00125; gnomAD exomes 0.00485; TOPMed 0.00503; ExAC 0.00514; gnomAD 0.00522 and 0.00545.
gnomAD v4.1: 13,161 of 1,612,350 alleles (0.82%); highest among the groups gnomAD compares: Non-Finnish European, 1.1%; 75 homozygotes.

Submissions (7):

Labcorp Genetics (formerly Invitae), Labcorp
Classification: Benign. Last evaluated: 2024-02-09. Review status: criteria provided, single submitter. Criteria: Invitae Variant Classification Sherloc (09022015). Collection method: clinical testing. Allele origin: germline.

CeGaT Center for Human Genetics Tuebingen
Classification: Likely benign. Last evaluated: 2023-07-01. Review status: criteria provided, single submitter. Criteria: CeGaT Center For Human Genetics Tuebingen Variant Classification Criteria Version 2. Collection method: clinical testing. Allele origin: germline. Affected: yes. Observed: 1 variant allele.
Comment: KRT8: BS2

Mendelics
Classification: Benign. Last evaluated: 2022-05-04. Review status: criteria provided, single submitter. Criteria: Mendelics Assertion Criteria 2019. Collection method: clinical testing. Allele origin: germline.

Breakthrough Genomics
Classification: Benign. Review status: criteria provided, single submitter. Criteria: ACMG Guidelines, 2015. Collection method: not provided. Allele origin: germline. Inheritance: Unknown mechanism. Affected: yes.

OMIM
Classification: Uncertain significance for RECLASSIFIED - VARIANT OF UNKNOWN SIGNIFICANCE. Last evaluated: 2003-05-13. Review status: no assertion criteria provided. Collection method: literature only. Allele origin: germline. Not counted in ClinVar's aggregate classification.

Department of Pathology and Laboratory Medicine, Sinai Health System
Classification: Likely benign. Review status: no assertion criteria provided. Collection method: clinical testing. Allele origin: unknown. Affected: yes. Study: The Canadian Open Genetics Repository (COGR). Not counted in ClinVar's aggregate classification.
Comment: The KRT8 p.Gly62Cys variant was identified in 33 of 4270 proband chromosomes (frequency: 0.0077) from individuals with liver disease but was also present in 13 of 2056 control chromosomes (frequency: 0.0063) from healthy individuals, suggesting no association with liver disease (Halangk_2004_PMID:15235035; Ku_2003_PMID:12724528). Analysis of the p.G62C variant in a cohort of 217 German patients with Crohn' s disease, 131 German patients with ulcerative colitis, and 560 German control subjects also did not identify an association of this variant with Crohn's or ulcerative colitis (BâˆšÂºning_2004_PMID:15248378). The variant was identified in dbSNP (ID: rs11554495), ClinVar (classification not provided by Epithelial Biology; Institute of Medical Biology, Singapore) and LOVD 3.0 (classified as likely benign). The variant was identified in control databases in 1370 of 280620 chromosomes (7 homozygous) at a frequency of 0.004882 increasing the likelihood this could be a low frequency benign variant (Genome Aggregation Database March 6, 2019, v2.1.1). The variant was observed in the following populations: European (non-Finnish) in 1176 of 127714 chromosomes (freq: 0.009208), Other in 37 of 7182 chromosomes (freq: 0.005152), African in 44 of 24386 chromosomes (freq: 0.001804), Latino in 60 of 35410 chromosomes (freq: 0.001694), European (Finnish) in 33 of 25106 chromosomes (freq: 0.001314), Ashkenazi Jewish in 5 of 10294 chromosomes (freq: 0.000486), South Asian in 14 of 30600 chromosomes (freq: 0.000458), and East Asian in 1 of 19928 chromosomes (freq: 0.00005). Although the p.Gly62 residue is not conserved in mammals and other organisms, computational analyses (PolyPhen-2, SIFT, AlignGVGD, BLOSUM, MutationTaster) suggest that the variant may impact the protein. The variant occurs outside of the splicing consensus sequence and two of four in silico or computational prediction software programs (SpliceSiteFinder, MaxEntScan, NNSPLICE, GeneSplicer) predict a greater than 10% difference in splicing; this is not very predictive of pathogenicity. In summary, based on the above information the clinical significance of this variant cannot be determined with certainty at this time although we would lean towards a more benign role for this variant. This variant is classified as likely benign.

Epithelial Biology;  Institute of Medical Biology, Singapore
No classification provided. Review status: no classification provided. Collection method: not provided. Allele origin: not provided. Not counted in ClinVar's aggregate classification.

Literature cited by the submitters: PubMed 15235035 (cited by OMIM); PubMed 11372009 (cited by OMIM); PubMed 12724528 (cited by OMIM).